The following is an entry in ClinVar:

NM_032482.3(DOT1L):c.4468G>A (p.Gly1490Ser)

Gene: DOT1L (DOT1 like histone lysine methyltransferase; plus strand). Cytogenetic location: 19p13.3.
Variant type: single nucleotide variant.
Coding change: c.4468G>A on transcript NM_032482.3 (MANE Select); coding-DNA position 4468, G replaced by A.
Protein change: p.Gly1490Ser; replaces glycine 1490 with serine.
Molecular consequence: missense variant.
Genome position (GRCh38, 1-based): chr19:2,226,989, G>A. VCF-style: chr19-2226989-G-A. GRCh37 (hg19) VCF-style: chr19-2226988-G-A.
Other names: c.4468G>A, p.Gly1490Ser (NM_001411141.1); short protein forms G1490S.
Identifiers: ClinVar variation 2663028 (VCV002663028.1), dbSNP rs925877630, ClinGen allele CA403216478.

ClinVar aggregate classification (germline): Uncertain significance (1 of 4 stars; one submission).

gnomAD v4.1: 2 of 1,591,418 alleles (0.00013%); highest among the groups gnomAD compares: African/African-American, 0.0013%; no homozygotes.

Submission:

GeneDx
Classification: Uncertain significance. Last evaluated: 2022-12-29. Review status: criteria provided, single submitter. Criteria: GeneDx Variant Classification Process June 2021. Collection method: clinical testing. Allele origin: germline. Affected: yes.
Comment: In silico analysis supports that this missense variant has a deleterious effect on protein structure/function; Has not been previously published as pathogenic or benign to our knowledge; Variants in candidate genes are classified as variants of uncertain significance in accordance with ACMG guidelines (Richards et al., 2015)